The following is an entry in ClinVar:

ClinVar aggregate classification (germline): Likely benign. Review status: criteria provided, multiple submitters, no conflicts (2 of 4 stars). 2 submissions from 2 submitters: Likely benign (2). Last evaluated 2019-07-11.

Conditions:
Inborn genetic diseases. Identifiers: MedGen C0950123, MeSH D030342.

Allele frequency attached by ClinVar (database versions not stated): gnomAD 0.00001.
gnomAD v4.1: 2 of 1,614,188 alleles (0.00012%); highest among the groups gnomAD compares: Non-Finnish European, 0.00017%; no homozygotes.

Submissions (2):

Ambry Genetics
Classification: Likely benign for Inborn genetic diseases. Last evaluated: 2019-07-11. Review status: criteria provided, single submitter. Criteria: Ambry Variant Classification Scheme 2023. Collection method: clinical testing. Allele origin: germline.

GeneDx
Classification: Likely benign. Last evaluated: 2017-06-16. Review status: criteria provided, single submitter. Criteria: GeneDx Variant Classification (06012015). Collection method: clinical testing. Allele origin: germline. Affected: yes.
Comment: This variant is considered likely benign or benign based on one or more of the following criteria: it is a conservative change, it occurs at a poorly conserved position in the protein, it is predicted to be benign by multiple in silico algorithms, and/or has population frequency not consistent with disease.

NM_030962.4(SBF2):c.4068G>A (p.Leu1356=)

Gene: SBF2 (SET binding factor 2; minus strand). Cytogenetic location: 11p15.4.
Variant type: single nucleotide variant.
Coding change: c.4068G>A on transcript NM_030962.4 (MANE Select); coding-DNA position 4068, G replaced by A.
Protein change: p.Leu1356=; no amino-acid change (leucine 1356 retained).
Molecular consequence: synonymous variant.
Genome position (GRCh38, 1-based): chr11:9,812,619, C>T on the plus strand (G>A on the coding strand, the complement: SBF2 is on the minus strand). VCF-style: chr11-9812619-C-T. GRCh37 (hg19) VCF-style: chr11-9834166-C-T.
Other names: c.4164G>A, p.Leu1388= (NM_001386339.1); c.3939G>A, p.Leu1313= (NM_001386342.1).
Identifiers: ClinVar variation 518043 (VCV000518043.3), dbSNP rs1429589073, ClinGen allele CA473067326.